The following is an entry in ClinVar:

ClinVar aggregate classification (germline): Uncertain significance (1 of 4 stars; one submission).

Allele frequency attached by ClinVar (database versions not stated): ExAC 0.00001; gnomAD 0.00001; gnomAD exomes 0.00001; TOPMed 0.00001.
gnomAD v4.1: 5 of 1,613,968 alleles (0.00031%); highest among the groups gnomAD compares: Admixed American, 0.0083%; no homozygotes.

Submission:

Labcorp Genetics (formerly Invitae), Labcorp
Classification: Uncertain significance. Last evaluated: 2024-05-19. Review status: criteria provided, single submitter. Criteria: Invitae Variant Classification Sherloc (09022015). Collection method: clinical testing. Allele origin: germline.
Comment: This sequence change replaces threonine, which is neutral and polar, with alanine, which is neutral and non-polar, at codon 530 of the HMCN1 protein (p.Thr530Ala). This variant is present in population databases (rs781759837, gnomAD 0.01%). This variant has not been reported in the literature in individuals affected with HMCN1-related conditions. ClinVar contains an entry for this variant (Variation ID: 1914860). An algorithm developed to predict the effect of missense changes on protein structure and function (PolyPhen-2) suggests that this variant is likely to be disruptive. In summary, the available evidence is currently insufficient to determine the role of this variant in disease. Therefore, it has been classified as a Variant of Uncertain Significance.

NM_031935.3(HMCN1):c.1588A>G (p.Thr530Ala)

Gene: HMCN1 (hemicentin 1; plus strand). Cytogenetic location: 1q31.1.
Variant type: single nucleotide variant.
Coding change: c.1588A>G on transcript NM_031935.3 (MANE Select); coding-DNA position 1588, A replaced by G.
Protein change: p.Thr530Ala; replaces threonine 530 with alanine.
Molecular consequence: missense variant.
Genome position (GRCh38, 1-based): chr1:185,933,584, A>G. VCF-style: chr1-185933584-A-G. GRCh37 (hg19) VCF-style: chr1-185902716-A-G.
Other names: short protein forms T530A.
Identifiers: ClinVar variation 1914860 (VCV001914860.5), dbSNP rs781759837, ClinGen allele CA1291167.